The following is an entry in ClinVar:

NM_000383.4(AIRE):c.463G>A (p.Gly155Ser)

Gene: AIRE (autoimmune regulator; plus strand). Cytogenetic location: 21q22.3.
Variant type: single nucleotide variant.
Coding change: c.463G>A on transcript NM_000383.4 (MANE Select); coding-DNA position 463, G replaced by A.
Protein change: p.Gly155Ser; replaces glycine 155 with serine.
Molecular consequence: missense variant.
Genome position (GRCh38, 1-based): chr21:44,287,133, G>A. VCF-style: chr21-44287133-G-A. GRCh37 (hg19) VCF-style: chr21-45707016-G-A.
Other names: c.463G>A (LRG_18t1); short protein forms G155S.
Identifiers: ClinVar variation 35665 (VCV000035665.13), dbSNP rs193922418, ClinGen allele CA213509.

ClinVar aggregate classification (germline): Pathogenic/Likely pathogenic. Review status: criteria provided, multiple submitters, no conflicts (2 of 4 stars). 5 submissions from 5 submitters: Pathogenic (3); Likely pathogenic (2). Last evaluated 2025-07-08.

Conditions:
Polyglandular autoimmune syndrome, type 1 (APS1). Also called: HYPOADRENOCORTICISM WITH HYPOPARATHYROIDISM AND SUPERFICIAL MONILIASIS; Autoimmune polyendocrine syndrome type 1; APS I; Whitaker syndrome; PGA I; Autoimmune polyendocrinopathy syndrome, type I. Identifiers: Orphanet 3453, MedGen C0085859, MONDO:0009411, OMIM 240300.

Allele frequency attached by ClinVar (database versions not stated): gnomAD 0.00001; TOPMed below 0.00001.
gnomAD v4.1: 1 of 1,612,098 alleles (0.000062%); highest among the groups gnomAD compares: Non-Finnish European, 0.000085%; no homozygotes.

Submissions (5):

Variantyx, Inc.
Classification: Pathogenic for Polyglandular autoimmune syndrome, type 1. Last evaluated: 2025-07-08. Review status: criteria provided, single submitter. Criteria: Variantyx Assertion Criteria 2022. Collection method: clinical testing. Allele origin: germline. Inheritance: Semidominant inheritance. Affected: yes.
Comment: This is a nonsynonymous variant in the AIRE gene (OMIM: 607358). Pathogenic variants in this gene have been associated with autosomal semidominant autoimmune polyendocrinopathy syndrome type I with or without reversible metaphyseal dysplasia. Computational algorithms produce conflicting evidence regarding the predicted functional impact of this variant (REVEL score: 0.478), but functional analysis has shown that this missense change alters mRNA splicing and is expected to lead to the loss of protein expression (PMID: 23342054), and loss of function is a known disease mechanism for AIRE in this disorder (PMID: 23342054) (PVS1). This variant has a 0.0015% maximum allele frequency in non-founder control populations (PM2). Based on the current evidence, this variant is classified as pathogenic for autosomal semidoinant autoimmune polyendocrinopathy syndrome type I with or without reversible metaphyseal dysplasia.

Labcorp Genetics (formerly Invitae), Labcorp
Classification: Pathogenic for Polyglandular autoimmune syndrome, type 1. Last evaluated: 2023-10-05. Review status: criteria provided, single submitter. Criteria: Invitae Variant Classification Sherloc (09022015). Collection method: clinical testing. Allele origin: germline.
Comment: This sequence change replaces glycine, which is neutral and non-polar, with serine, which is neutral and polar, at codon 155 of the AIRE protein (p.Gly155Ser). RNA analysis indicates that this missense change induces altered splicing and may result in an absent or disrupted protein product. This variant is not present in population databases (gnomAD no frequency). This missense change has been observed in individuals with autosomal recessive autoimmune polyendocrinopathy syndrome (PMID: 19209622, 23342054). It has also been observed to segregate with disease in related individuals. ClinVar contains an entry for this variant (Variation ID: 35665). An algorithm developed to predict the effect of missense changes on protein structure and function (PolyPhen-2) suggests that this variant is likely to be disruptive. Variants that disrupt the consensus splice site are a relatively common cause of aberrant splicing (PMID: 17576681, 9536098). Studies have shown that this missense change alters mRNA splicing and is expected to lead to the loss of protein expression (PMID: 23342054). For these reasons, this variant has been classified as Pathogenic.

National Institute of Allergy and Infectious Diseases - Centralized Sequencing Program, National Institutes of Health
Classification: Pathogenic for APECED. Last evaluated: 2023-09-14. Review status: criteria provided, single submitter. Criteria: ACMG Guidelines, 2015. Collection method: clinical testing. Allele origin: germline. Affected: yes.

Fulgent Genetics
Classification: Likely pathogenic for Polyglandular autoimmune syndrome, type 1. Last evaluated: 2021-08-20. Review status: criteria provided, single submitter. Criteria: ACMG Guidelines, 2015. Collection method: clinical testing. Allele origin: unknown.

Women's Health and Genetics/Laboratory Corporation of America, LabCorp
Classification: Likely pathogenic for Autoimmune Polyglandular Syndrome Type 1. Last evaluated: 2011-08-18. Review status: criteria provided, single submitter. Criteria: LabCorp Variant Classification Summary - May 2015. Collection method: curation, clinical testing. Allele origin: germline. Inheritance: autosomal unknown. Affected: yes.
ClinVar note: Converted during submission from likely pathogenic to Likely pathogenic.

Literature cited by the submitters: PubMed 23342054 (cited by 3 submitters); PubMed 19209622 (cited by Variantyx, Inc. and Labcorp Genetics (formerly Invitae), Labcorp); PubMed 17576681 (cited by Labcorp Genetics (formerly Invitae), Labcorp); PubMed 9536098 (cited by Labcorp Genetics (formerly Invitae), Labcorp).